The following is an entry in ClinVar:

ClinVar aggregate classification (germline): Benign. Review status: criteria provided, multiple submitters, no conflicts (2 of 4 stars). 5 submissions from 5 submitters: Benign (5). Last evaluated 2026-02-04.

Conditions:
Donnai-Barrow syndrome. Also called: DBS/FOAR SYNDROME; FACIOOCULOACOUSTICORENAL SYNDROME. Identifiers: Orphanet 2143, MedGen C1857277, MONDO:0009104, OMIM 222448.

Allele frequency attached by ClinVar (database versions not stated): TOPMed 0.03601; ESP Exome Variant Server 0.03990; 1000 Genomes Project 0.04213; 1000 Genomes Project 30x 0.04279.
gnomAD v4.1: 37,559 of 1,579,146 alleles (2.4%); highest among the groups gnomAD compares: African/African-American, 7.5%; 724 homozygotes.

Submissions (5):

Labcorp Genetics (formerly Invitae), Labcorp
Classification: Benign. Last evaluated: 2026-02-04. Review status: criteria provided, single submitter. Criteria: Invitae Variant Classification Sherloc (09022015). Collection method: clinical testing. Allele origin: germline.

Genome-Nilou Lab
Classification: Benign for Donnai-Barrow syndrome. Last evaluated: 2021-07-15. Review status: criteria provided, single submitter. Criteria: ACMG Guidelines, 2015. Collection method: clinical testing. Allele origin: germline. Affected: no.

GeneDx
Classification: Benign. Last evaluated: 2021-01-07. Review status: criteria provided, single submitter. Criteria: GeneDx Variant Classification Process June 2021. Collection method: clinical testing. Allele origin: germline. Affected: yes.

Illumina Laboratory Services, Illumina
Classification: Benign for Donnai-Barrow syndrome. Last evaluated: 2018-01-13. Review status: criteria provided, single submitter. Criteria: ICSL Variant Classification Criteria 13 December 2019. Collection method: clinical testing. Allele origin: germline.
Comment: This variant was observed in the ICSL laboratory as part of a predisposition screen in an ostensibly healthy population. It had not been previously curated by ICSL or reported in the Human Gene Mutation Database (HGMD: prior to June 1st, 2018), and was therefore a candidate for classification through an automated scoring system. Utilizing variant allele frequency, disease prevalence and penetrance estimates, and inheritance mode, an automated score was calculated to assess if this variant is too frequent to cause the disease. Based on the score and internal cut-off values, a variant classified as benign is not then subjected to further curation. The score for this variant resulted in a classification of benign for this disease.

Breakthrough Genomics
Classification: Benign. Review status: criteria provided, single submitter. Criteria: ACMG Guidelines, 2015. Collection method: not provided. Allele origin: germline. Inheritance: Autosomal recessive inheritance. Affected: yes.

NM_004525.3(LRP2):c.3667+13T>A

Gene: LRP2 (LDL receptor related protein 2; minus strand). Cytogenetic location: 2q31.1.
Variant type: single nucleotide variant.
Coding change: c.3667+13T>A on transcript NM_004525.3 (MANE Select); 13 bases into the intron after coding-DNA position 3667, T replaced by A.
Molecular consequence: intron variant.
Genome position (GRCh38, 1-based): chr2:169,242,943, A>T on the plus strand (T>A on the coding strand, the complement: LRP2 is on the minus strand). VCF-style: chr2-169242943-A-T. GRCh37 (hg19) VCF-style: chr2-170099453-A-T.
Identifiers: ClinVar variation 332176 (VCV000332176.20), dbSNP rs116697309, ClinGen allele CA1954973.